The following is an entry in ClinVar:

ClinVar aggregate classification (germline): Uncertain significance (1 of 4 stars; one submission).

Conditions:
Familial adenomatous polyposis 1 (FAP1). Also called: FAMILIAL ADENOMATOUS POLYPOSIS 1, ATTENUATED; POLYPOSIS, ADENOMATOUS INTESTINAL. Identifiers: MedGen C2713442, MONDO:0021056, OMIM 175100. Disease mechanism: loss of function.

Submission:

Labcorp Genetics (formerly Invitae), Labcorp
Classification: Uncertain significance for Familial adenomatous polyposis 1. Last evaluated: 2023-07-12. Review status: criteria provided, single submitter. Criteria: Invitae Variant Classification Sherloc (09022015). Collection method: clinical testing. Allele origin: germline.
Comment: In summary, the available evidence is currently insufficient to determine the role of this variant in disease. Therefore, it has been classified as a Variant of Uncertain Significance. Studies have shown that this missense change is associated with altered splicing resulting in unknown protein product impact (Invitae). An algorithm developed to predict the effect of missense changes on protein structure and function (PolyPhen-2) suggests that this variant is likely to be disruptive. This variant has not been reported in the literature in individuals affected with APC-related conditions. This variant is not present in population databases (gnomAD no frequency). This sequence change replaces glutamic acid, which is acidic and polar, with glutamine, which is neutral and polar, at codon 582 of the APC protein (p.Glu582Gln).

NM_000038.6(APC):c.1744G>C (p.Glu582Gln)

Gene: APC (APC regulator of Wnt signaling pathway; plus strand). Cytogenetic location: 5q22.2.
Variant type: single nucleotide variant.
Coding change: c.1744G>C on transcript NM_000038.6 (MANE Select); coding-DNA position 1744, G replaced by C.
Protein change: p.Glu582Gln; replaces glutamic acid 582 with glutamine.
Molecular consequence: missense variant. On other transcripts: non-coding transcript variant (2).
Genome position (GRCh38, 1-based): chr5:112,834,951, G>C. VCF-style: chr5-112834951-G-C. GRCh37 (hg19) VCF-style: chr5-112170648-G-C.
Other names: c.1621G>C, p.Glu541Gln (NM_001354900.2); c.1567G>C, p.Glu523Gln (NM_001354901.2, NM_001407453.1); c.1471G>C, p.Glu491Gln (NM_001354902.2); c.1441G>C, p.Glu481Gln (NM_001354903.2, NM_001407458.1, NM_001407459.1 and 1 more transcripts); c.1366G>C, p.Glu456Gln (NM_001354904.2); c.1264G>C, p.Glu422Gln (NM_001354905.2); c.895G>C, p.Glu299Gln (NM_001354906.2, NM_001407470.1); c.1828G>C, p.Glu610Gln (NM_001407446.1); and 11 more; short protein forms E198Q, E456Q, E523Q, E557Q, E582Q, E592Q, E422Q, E453Q.
Identifiers: ClinVar variation 2860115 (VCV002860115.3), dbSNP rs1764693751, ClinGen allele CA16025127.
Genomic context (GRCh38, chr5:112,834,951, plus strand): 5'-AAGTTAATGAGAGACAAATTCCAACTCTAATTAGATGACCCATATTCTGTTTCTTACTAG[G>C]AATCAACCCTCAAAAGCGTATTGAGTGCCTTATGGAATTTGTCAGCACATTGCACTGAGA-3'
Protein context (NP_000029.2, residues 572-592): LMECALEVKK[Glu582Gln]STLKSVLSAL